The following is an entry in ClinVar:

ClinVar aggregate classification (germline): Uncertain significance. Review status: criteria provided, multiple submitters, no conflicts (2 of 4 stars). 2 submissions from 2 submitters: Uncertain significance (2). Last evaluated 2025-06-18.

Conditions:
Inborn genetic diseases. Identifiers: MedGen C0950123, MeSH D030342.
Combined oxidative phosphorylation deficiency 35 (COXPD35). Identifiers: MedGen C4693466, MONDO:0054742, OMIM 617873.

Allele frequency attached by ClinVar (database versions not stated): gnomAD exomes below 0.00001; TOPMed below 0.00001; gnomAD 0.00001.
gnomAD v4.1: 2 of 1,614,100 alleles (0.00012%); highest among the groups gnomAD compares: Admixed American, 0.0033%; no homozygotes.

Submissions (2):

Ambry Genetics
Classification: Uncertain significance for Inborn genetic diseases. Last evaluated: 2025-06-18. Review status: criteria provided, single submitter. Criteria: Ambry Variant Classification Scheme 2023. Collection method: clinical testing. Allele origin: germline.

Institute of Human Genetics, University of Leipzig Medical Center
Classification: Uncertain significance for Combined oxidative phosphorylation deficiency 35. Last evaluated: 2023-10-17. Review status: criteria provided, single submitter. Criteria: ACMG Guidelines, 2015. Collection method: clinical testing. Allele origin: maternal. Inheritance: Autosomal recessive inheritance. Affected: yes.
Comment: Criteria applied: PM3,PM2_SUP

NM_017646.6(TRIT1):c.865C>T (p.His289Tyr)

Gene: TRIT1 (tRNA isopentenyltransferase 1; minus strand). Cytogenetic location: 1p34.2.
Variant type: single nucleotide variant.
Coding change: c.865C>T on transcript NM_017646.6 (MANE Select); coding-DNA position 865, C replaced by T.
Protein change: p.His289Tyr; replaces histidine 289 with tyrosine.
Molecular consequence: missense variant.
Genome position (GRCh38, 1-based): chr1:39,847,611, G>A on the plus strand (C>T on the coding strand, the complement: TRIT1 is on the minus strand). VCF-style: chr1-39847611-G-A. GRCh37 (hg19) VCF-style: chr1-40313283-G-A.
Other names: c.865C>T, p.His289Tyr (NM_001312691.2); c.619C>T, p.His207Tyr (NM_001312692.2); short protein forms H207Y, H289Y.
Identifiers: ClinVar variation 2627613 (VCV002627613.3), dbSNP rs1642309613, ClinGen allele CA339833527.